The following is an entry in ClinVar:

NM_005251.3(FOXC2):c.22T>C (p.Ser8Pro)

Genes: FOXC2 (forkhead box C2; plus strand), FOXC2-AS1 (FOXC2 antisense RNA 1; minus strand). Cytogenetic location: 16q24.1.
Variant type: single nucleotide variant.
Coding change: c.22T>C on transcript NM_005251.3 (MANE Select); coding-DNA position 22, T replaced by C.
Protein change: p.Ser8Pro; replaces serine 8 with proline.
Molecular consequence: missense variant.
Genome position (GRCh38, 1-based): chr16:86,567,357, T>C. VCF-style: chr16-86567357-T-C. GRCh37 (hg19) VCF-style: chr16-86600963-T-C.
Other names: short protein forms S8P.
Identifiers: ClinVar variation 3700032 (VCV003700032.2).

ClinVar aggregate classification (germline): Uncertain significance (1 of 4 stars; one submission).

gnomAD v4.1: 2 of 1,612,950 alleles (0.00012%); highest among the groups gnomAD compares: Admixed American, 0.0017%; no homozygotes.

Submission:

Labcorp Genetics (formerly Invitae), Labcorp
Classification: Uncertain significance. Last evaluated: 2025-06-12. Review status: criteria provided, single submitter. Criteria: Invitae Variant Classification Sherloc (09022015). Collection method: clinical testing. Allele origin: germline.
Comment: This sequence change replaces serine, which is neutral and polar, with proline, which is neutral and non-polar, at codon 8 of the FOXC2 protein (p.Ser8Pro). This variant is not present in population databases (gnomAD no frequency). This variant has not been reported in the literature in individuals affected with FOXC2-related conditions. ClinVar contains an entry for this variant (Variation ID: 3700032). An algorithm developed to predict the effect of missense changes on protein structure and function outputs the following: PolyPhen-2: "Benign". The proline amino acid residue is found in multiple mammalian species, which suggests that this missense change does not adversely affect protein function. In summary, the available evidence is currently insufficient to determine the role of this variant in disease. Therefore, it has been classified as a Variant of Uncertain Significance.